The following is an entry in ClinVar:

ClinVar aggregate classification (germline): Uncertain significance (1 of 4 stars; one submission).

Conditions:
TTN-related disorder. Also called: TTN-related disorders; TTN-related condition; TTN-related disease.

gnomAD v4.1: 1 of 1,613,916 alleles (0.000062%); highest among the groups gnomAD compares: African/African-American, 0.0013%; no homozygotes.

Submission:

PreventionGenetics, part of Exact Sciences
Classification: Uncertain significance for TTN-related condition. Last evaluated: 2025-12-02. Review status: criteria provided, single submitter. Criteria: ACMG Guidelines, 2015. Collection method: clinical testing. Allele origin: germline.
Comment: The TTN c.15697A>C variant is predicted to result in the amino acid substitution p.Ser5233Arg. To our knowledge, this variant has not been reported in the literature or in a large population database (gnomAD), indicating this variant is rare. At this time, the clinical significance of this variant is uncertain due to the absence of conclusive functional and genetic evidence.

NM_001267550.2(TTN):c.15697A>C (p.Ser5233Arg)

Gene: TTN (titin; minus strand). Cytogenetic location: 2q31.2.
Variant type: single nucleotide variant.
Coding change: c.15697A>C on transcript NM_001267550.2 (MANE Select); coding-DNA position 15697, A replaced by C.
Protein change: p.Ser5233Arg; replaces serine 5233 with arginine.
Molecular consequence: missense variant. On other transcripts: intron variant (3).
Genome position (GRCh38, 1-based): chr2:178,733,692, T>G on the plus strand (A>C on the coding strand, the complement: TTN is on the minus strand). VCF-style: chr2-178733692-T-G. GRCh37 (hg19) VCF-style: chr2-179598419-T-G.
Other names: c.14746A>C, p.Ser4916Arg (NM_001256850.1); c.11965A>C, p.Ser3989Arg (NM_133378.4); c.13282+4390A>C (NM_003319.4); c.13858+4390A>C (NM_133437.4); c.13657+4390A>C (NM_133432.3); short protein forms S4916R, S3989R, S5233R.
Identifiers: ClinVar variation 4989673 (VCV004989673.1).
Genomic context (GRCh38, chr2:178,733,692, plus strand): 5'-CAACAGATGTTTGGCTTCCAGCTTCATTTTCAGCCAGGCACGTGTATTTGCCTCCAAAAC[T>G]AATCTGAACATCAGGGATTATCAAGACTGCAACACCATTGGAAAAGCTCATTTTGATTTT-3'
Protein context (NP_001254479.2, residues 5223-5243): AVLIIPDVQI[Ser5233Arg]FGGKYTCLAE